The following is an entry in ClinVar:

NM_080680.3(COL11A2):c.4872C>T (p.Tyr1624=)

Gene: COL11A2 (collagen type XI alpha 2 chain; minus strand). Cytogenetic location: 6p21.32.
Variant type: single nucleotide variant.
Coding change: c.4872C>T on transcript NM_080680.3 (MANE Select); coding-DNA position 4872, C replaced by T.
Protein change: p.Tyr1624=; no amino-acid change (tyrosine 1624 retained).
Molecular consequence: synonymous variant.
Genome position (GRCh38, 1-based): chr6:33,164,465, G>A on the plus strand (C>T on the coding strand, the complement: COL11A2 is on the minus strand). VCF-style: chr6-33164465-G-A. GRCh37 (hg19) VCF-style: chr6-33132242-G-A.
Other names: c.4551C>T, p.Tyr1517= (NM_080679.3); c.4614C>T, p.Tyr1538= (NM_080681.3).
Identifiers: ClinVar variation 356382 (VCV000356382.22), dbSNP rs372250466, ClinGen allele CA3749964.

ClinVar aggregate classification (germline): Likely benign. Review status: criteria provided, multiple submitters, no conflicts (2 of 4 stars). 5 submissions from 5 submitters: Likely benign (5). Last evaluated 2026-03-01.

Allele frequency attached by ClinVar (database versions not stated): gnomAD exomes 0.00003 and 0.00014; gnomAD 0.00008 and 0.00009; TOPMed 0.00008; ExAC 0.00027.
gnomAD v4.1: 59 of 1,552,134 alleles (0.0038%); highest among the groups gnomAD compares: East Asian, 0.052%; no homozygotes.

Submissions (5):

CeGaT Center for Human Genetics Tuebingen
Classification: Likely benign. Last evaluated: 2026-03-01. Review status: criteria provided, single submitter. Criteria: CeGaT Center For Human Genetics Tuebingen Variant Classification Criteria Version 2. Collection method: clinical testing. Allele origin: germline. Affected: yes. Observed: 1 variant allele.
Comment: COL11A2: BP4, BP7

Labcorp Genetics (formerly Invitae), Labcorp
Classification: Likely benign. Last evaluated: 2026-01-22. Review status: criteria provided, single submitter. Criteria: Invitae Variant Classification Sherloc (09022015). Collection method: clinical testing. Allele origin: germline.

Blueprint Genetics
Classification: Likely benign. Last evaluated: 2024-07-04. Review status: criteria provided, single submitter. Criteria: ACMG Guidelines, 2015. Collection method: clinical testing. Allele origin: germline.

GeneDx
Classification: Likely benign. Last evaluated: 2021-02-05. Review status: criteria provided, single submitter. Criteria: GeneDx Variant Classification Process June 2021. Collection method: clinical testing. Allele origin: germline. Affected: yes.

Laboratory for Molecular Medicine, Mass General Brigham Personalized Medicine
Classification: Likely benign. Last evaluated: 2016-06-09. Review status: criteria provided, single submitter. Criteria: LMM Criteria. Collection method: clinical testing. Allele origin: germline. Observed: 2 variant alleles.
Comment: p.Tyr1624Tyr in exon 65 of COL11A2: This variant is not expected to have clinica l significance because it does not alter an amino acid residue, and it is not lo cated within the splice consensus sequence. It has been identified in 0.4% (6/14 34) of European chromosomes by the Exome Aggregation Consortium (ExAC; dbSNP rs372250466).